The following is an entry in ClinVar:

NM_000257.4(MYH7):c.945A>G (p.Gln315=)

Gene: MYH7 (myosin heavy chain 7; minus strand). Cytogenetic location: 14q11.2.
Variant type: single nucleotide variant.
Coding change: c.945A>G on transcript NM_000257.4 (MANE Select); coding-DNA position 945, A replaced by G.
Protein change: p.Gln315=; no amino-acid change (glutamine 315 retained).
Molecular consequence: synonymous variant.
Genome position (GRCh38, 1-based): chr14:23,430,614, T>C on the plus strand (A>G on the coding strand, the complement: MYH7 is on the minus strand). VCF-style: chr14-23430614-T-C. GRCh37 (hg19) VCF-style: chr14-23899823-T-C.
Other names: c.945A>G, p.Gln315= (NM_001407004.1).
Identifiers: ClinVar variation 3017457 (VCV003017457.3), dbSNP rs2502308720, ClinGen allele CA485626075.

ClinVar aggregate classification (germline): Uncertain significance (1 of 4 stars; one submission).

Conditions:
Hypertrophic cardiomyopathy. Also called: HYPERTROPHIC MYOCARDIOPATHY. Identifiers: Orphanet 217569, MedGen C0007194, MeSH D002312, MONDO:0005045, HP:0001639.

Submission:

Labcorp Genetics (formerly Invitae), Labcorp
Classification: Uncertain significance for Hypertrophic cardiomyopathy. Last evaluated: 2023-01-21. Review status: criteria provided, single submitter. Criteria: Invitae Variant Classification Sherloc (09022015). Collection method: clinical testing. Allele origin: germline.
Comment: This variant is not present in population databases (gnomAD no frequency). In summary, the available evidence is currently insufficient to determine the role of this variant in disease. Therefore, it has been classified as a Variant of Uncertain Significance. Algorithms developed to predict the effect of sequence changes on RNA splicing suggest that this variant may create or strengthen a splice site. This variant has not been reported in the literature in individuals affected with MYH7-related conditions. This sequence change affects codon 315 of the MYH7 mRNA. It is a 'silent' change, meaning that it does not change the encoded amino acid sequence of the MYH7 protein.